The following is an entry in ClinVar:

NM_031935.3(HMCN1):c.8591G>A (p.Arg2864His)

Gene: HMCN1 (hemicentin 1; plus strand). Cytogenetic location: 1q31.1.
Variant type: single nucleotide variant.
Coding change: c.8591G>A on transcript NM_031935.3 (MANE Select); coding-DNA position 8591, G replaced by A.
Protein change: p.Arg2864His; replaces arginine 2864 with histidine.
Molecular consequence: missense variant.
Genome position (GRCh38, 1-based): chr1:186,078,212, G>A. VCF-style: chr1-186078212-G-A. GRCh37 (hg19) VCF-style: chr1-186047344-G-A.
Other names: short protein forms R2864H.
Identifiers: ClinVar variation 3617548 (VCV003617548.2).
Genomic context (GRCh38, chr1:186,078,212, plus strand): 5'-GGAGATACACATGTGTGGCTGTGAATGAGGCTGGAGAAGATTCCCTTCAATATGATGTCC[G>A]TGTACTCGGTGAGTTTTTCTTTTGTTTATTGTTCATTCTTTTACTGAAAAGTATTTTTGA-3'
Protein context (NP_114141.2, residues 2854-2874): AGEDSLQYDV[Arg2864His]VLVPPIIKGA

ClinVar aggregate classification (germline): Uncertain significance (1 of 4 stars; one submission).

gnomAD v4.1: 21 of 1,600,372 alleles (0.0013%); highest among the groups gnomAD compares: Admixed American, 0.0033%; no homozygotes.

Submission:

Labcorp Genetics (formerly Invitae), Labcorp
Classification: Uncertain significance. Last evaluated: 2024-06-12. Review status: criteria provided, single submitter. Criteria: Invitae Variant Classification Sherloc (09022015). Collection method: clinical testing. Allele origin: germline.
Comment: This sequence change replaces arginine, which is basic and polar, with histidine, which is basic and polar, at codon 2864 of the HMCN1 protein (p.Arg2864His). This variant is present in population databases (rs142456066, gnomAD 0.005%). This variant has not been reported in the literature in individuals affected with HMCN1-related conditions. Algorithms developed to predict the effect of missense changes on protein structure and function output the following: SIFT: "Not Available"; PolyPhen-2: "Probably Damaging"; Align-GVGD: "Not Available". The histidine amino acid residue is found in multiple mammalian species, which suggests that this missense change does not adversely affect protein function. In summary, the available evidence is currently insufficient to determine the role of this variant in disease. Therefore, it has been classified as a Variant of Uncertain Significance.